The following is an entry in ClinVar:

ClinVar aggregate classification (germline): Benign (1 of 4 stars; one submission).

Allele frequency attached by ClinVar (database versions not stated): ExAC 0.00414; 1000 Genomes Project 30x 0.00437; 1000 Genomes Project 0.00459; TOPMed 0.01008; gnomAD exomes 0.01125.

Submission:

CeGaT Center for Human Genetics Tuebingen
Classification: Benign. Last evaluated: 2022-09-01. Review status: criteria provided, single submitter. Criteria: CeGaT Center For Human Genetics Tuebingen Variant Classification Criteria Version 2. Collection method: clinical testing. Allele origin: germline. Affected: yes. Observed: 2 variant alleles.
Comment: TNC: BS1, BS2

NM_002160.4(TNC):c.4579+4208C>G

Gene: TNC (tenascin C; minus strand). Cytogenetic location: 9q33.1.
Variant type: single nucleotide variant.
Coding change: c.4579+4208C>G on transcript NM_002160.4 (MANE Select); 4208 bases into the intron after coding-DNA position 4579, C replaced by G.
Molecular consequence: intron variant.
Genome position (GRCh38, 1-based): chr9:115,052,945, G>C on the plus strand (C>G on the coding strand, the complement: TNC is on the minus strand). VCF-style: chr9-115052945-G-C. GRCh37 (hg19) VCF-style: chr9-117815224-G-C.
Identifiers: ClinVar variation 1711693 (VCV001711693.30), dbSNP rs147892018, ClinGen allele CA5207889.